The following is an entry in ClinVar:

ClinVar aggregate classification (germline): Likely pathogenic (1 of 4 stars; one submission).

Submission:

GeneDx
Classification: Likely pathogenic. Last evaluated: 2025-03-19. Review status: criteria provided, single submitter. Criteria: GeneDx Variant Classification Process June 2021. Collection method: clinical testing. Allele origin: germline. Affected: yes.
Comment: Canonical splice site variant predicted to result in an in-frame loss of the adjacent exon in a gene for which loss of function is a known mechanism of disease; Not observed at significant frequency in large population cohorts (gnomAD); Has not been previously published as pathogenic or benign to our knowledge

NM_000256.3(MYBPC3):c.822-1G>T

Gene: MYBPC3 (myosin binding protein C3; minus strand). Cytogenetic location: 11p11.2.
Variant type: single nucleotide variant.
Coding change: c.822-1G>T on transcript NM_000256.3 (MANE Select); the canonical splice acceptor site of the intron before coding-DNA position 822, G replaced by T.
Molecular consequence: splice acceptor variant.
Genome position (GRCh38, 1-based): chr11:47,347,681, C>A on the plus strand (G>T on the coding strand, the complement: MYBPC3 is on the minus strand). VCF-style: chr11-47347681-C-A. GRCh37 (hg19) VCF-style: chr11-47369232-C-A.
Identifiers: ClinVar variation 4086456 (VCV004086456.1).